The following is an entry in ClinVar:

ClinVar aggregate classification (germline): Pathogenic (1 of 4 stars; one submission).

Conditions:
Familial adenomatous polyposis 2. Also called: MUTYH-associated polyposis; MUTYH-related attenuated familial adenomatous polyposis; COLORECTAL ADENOMATOUS POLYPOSIS, AUTOSOMAL RECESSIVE; ADENOMAS, MULTIPLE COLORECTAL, AUTOSOMAL RECESSIVE; MYH-associated polyposis; MUTYH Polyposis. Identifiers: Orphanet 220460, Orphanet 247798, MedGen C3272841, MONDO:0012041, OMIM 608456.

Submission:

Labcorp Genetics (formerly Invitae), Labcorp
Classification: Pathogenic for Familial adenomatous polyposis 2. Last evaluated: 2025-12-14. Review status: criteria provided, single submitter. Criteria: Invitae Variant Classification Sherloc (09022015). Collection method: clinical testing. Allele origin: germline.
Comment: This sequence change creates a premature translational stop signal (p.Val22Glufs*39) in the MUTYH gene. It is expected to result in an absent or disrupted protein product. Loss-of-function variants in MUTYH are known to be pathogenic (PMID: 18534194, 20663686). This variant is not present in population databases (gnomAD no frequency). This variant has not been reported in the literature in individuals affected with MUTYH-related conditions. ClinVar contains an entry for this variant (Variation ID: 3726081). For these reasons, this variant has been classified as Pathogenic.

Literature cited by the submitters: PubMed 18534194; PubMed 20663686.

NM_001048174.2(MUTYH):c.15_22dup (p.Val8fs)

Gene: MUTYH (mutY DNA glycosylase; minus strand). Cytogenetic location: 1p34.1.
Variant type: Duplication.
Coding change: c.15_22dup on transcript NM_001048174.2 (MANE Select); coding-DNA positions 15 to 22, 8 bases duplicated (AGCAGCCG; older notation c.15_22dupAGCAGCCG).
Protein change: p.Val8fs; shifts the reading frame from valine 8.
Molecular consequence: frameshift variant. On other transcripts: 5 prime UTR variant (7), non-coding transcript variant (7).
Genome position (GRCh38, 1-based): chr1:45,334,484-45,334,491, CGGCTGCT duplicated on the plus strand (AGCAGCCG on the coding strand, the reverse complement: MUTYH is on the minus strand); duplicating any 8 consecutive bases within chr1:45,334,484-45,334,493 gives the same sequence; the c. name uses the placement nearest the transcript's 3' end. VCF-style (leftmost placement, unchanged base first): chr1-45334483-A-ACGGCTGCT. GRCh37 (hg19) VCF-style: chr1-45800155-A-ACGGCTGCT.
Other names: c.15_22dup, p.Val8fs (NM_001407086.1, NM_001407088.1, NM_001407089.1 and 15 more transcripts); c.33_40dup, p.Val14fs (NM_001407087.1); c.-198_-191dup (NM_001407091.1, NM_001293192.2, NM_001293196.2); c.57_64dup, p.Val22fs (NM_012222.3, NM_001128425.2, NM_001293190.2 and 2 more transcripts); c.-257_-250dup (NM_001350650.2); c.-193_-186dup (NM_001350651.2, NM_001407082.1); c.-142_-135dup (NM_001407075.1); short protein forms V14fs, V22fs, V8fs.
Identifiers: ClinVar variation 3726081 (VCV003726081.2).
Genomic context (GRCh38, chr1:45,334,483, plus strand): 5'-TTCTTAGCATGCTTCTGCCTCCCTTCCTGGCTGGCTGCCTGCTTCCTGTGACCACTTCCC[A>ACGGCTGCT]CGGCTGCTCGTGGCTTCCTCATGATGGCCTGAAACAAAAAGACCCAGCCAAAGCAGTCAG-3'